The following is an entry in ClinVar:

ClinVar aggregate classification (germline): Uncertain significance. Review status: criteria provided, multiple submitters, no conflicts (2 of 4 stars). 4 submissions from 4 submitters: Uncertain significance (4). Last evaluated 2022-08-22.

Conditions:
Neuronal ceroid lipofuscinosis. Also called: Neuronal Ceroid Lipofuscinoses. Identifiers: Orphanet 216, Orphanet 79263, MedGen C0027877, MONDO:0016295. Disease mechanism: loss of function.
Neuronal ceroid lipofuscinosis 3 (CLN3). Identifiers: Orphanet 228346, MedGen C0751383, MONDO:0008767, OMIM 204200.

Allele frequency attached by ClinVar (database versions not stated): ExAC below 0.00001; gnomAD 0.00001; TOPMed 0.00001.
gnomAD v4.1: 3 of 1,611,664 alleles (0.00019%); highest among the groups gnomAD compares: Non-Finnish European, 0.00025%; no homozygotes.

Submissions (4):

Labcorp Genetics (formerly Invitae), Labcorp
Classification: Uncertain significance for Neuronal ceroid lipofuscinosis. Last evaluated: 2022-08-22. Review status: criteria provided, single submitter. Criteria: Invitae Variant Classification Sherloc (09022015). Collection method: clinical testing. Allele origin: germline.
Comment: This sequence change replaces isoleucine, which is neutral and non-polar, with threonine, which is neutral and polar, at codon 254 of the CLN3 protein (p.Ile254Thr). This variant is not present in population databases (gnomAD no frequency). This variant has not been reported in the literature in individuals affected with CLN3-related conditions. ClinVar contains an entry for this variant (Variation ID: 318721). Algorithms developed to predict the effect of missense changes on protein structure and function (SIFT, PolyPhen-2, Align-GVGD) all suggest that this variant is likely to be tolerated. In summary, the available evidence is currently insufficient to determine the role of this variant in disease. Therefore, it has been classified as a Variant of Uncertain Significance.

GeneDx
Classification: Uncertain significance. Last evaluated: 2021-11-19. Review status: criteria provided, single submitter. Criteria: GeneDx Variant Classification Process June 2021. Collection method: clinical testing. Allele origin: germline. Affected: yes.
Comment: In silico analysis supports that this missense variant does not alter protein structure/function; Has not been previously published as pathogenic or benign to our knowledge; This variant is associated with the following publications: (PMID: 18314010)

Genome-Nilou Lab
Classification: Uncertain significance for Neuronal ceroid lipofuscinosis 3. Last evaluated: 2021-09-05. Review status: criteria provided, single submitter. Criteria: ACMG Guidelines, 2015. Collection method: clinical testing. Allele origin: germline. Affected: no.

Illumina Laboratory Services, Illumina
Classification: Uncertain significance for Neuronal ceroid lipofuscinosis 3. Last evaluated: 2018-01-13. Review status: criteria provided, single submitter. Criteria: ICSL Variant Classification Criteria 13 December 2019. Collection method: clinical testing. Allele origin: germline.

NM_001042432.2(CLN3):c.761T>C (p.Ile254Thr)

Gene: CLN3 (CLN3 lysosomal/endosomal transmembrane protein, battenin; minus strand). Cytogenetic location: 16p12.1.
Variant type: single nucleotide variant.
Coding change: c.761T>C on transcript NM_001042432.2 (MANE Select); coding-DNA position 761, T replaced by C.
Protein change: p.Ile254Thr; replaces isoleucine 254 with threonine.
Molecular consequence: missense variant.
Genome position (GRCh38, 1-based): chr16:28,484,035, A>G on the plus strand (T>C on the coding strand, the complement: CLN3 is on the minus strand). VCF-style: chr16-28484035-A-G. GRCh37 (hg19) VCF-style: chr16-28495356-A-G.
Other names: c.761T>C, p.Ile254Thr (NM_000086.2); c.689T>C, p.Ile230Thr (NM_001286104.2); c.461T>C, p.Ile154Thr (NM_001286105.2); c.527T>C, p.Ile176Thr (NM_001286109.2); c.599T>C, p.Ile200Thr (NM_001286110.2); short protein forms I254T, I154T, I230T, I176T, I200T.
Identifiers: ClinVar variation 318721 (VCV000318721.14), dbSNP rs745948575, ClinGen allele CA7980831.